The following is an entry in ClinVar:

NM_001365951.3(KIF1B):c.4954G>A (p.Glu1652Lys)

Gene: KIF1B (kinesin family member 1B; plus strand). Cytogenetic location: 1p36.22.
Variant type: single nucleotide variant.
Coding change: c.4954G>A on transcript NM_001365951.3 (MANE Select); coding-DNA position 4954, G replaced by A.
Protein change: p.Glu1652Lys; replaces glutamic acid 1652 with lysine.
Molecular consequence: missense variant.
Genome position (GRCh38, 1-based): chr1:10,374,323, G>A. VCF-style: chr1-10374323-G-A. GRCh37 (hg19) VCF-style: chr1-10434381-G-A.
Other names: c.4954G>A, p.Glu1652Lys (NM_001365952.1); c.4816G>A, p.Glu1606Lys (NM_015074.3); short protein forms E1606K, E1652K.
Identifiers: ClinVar variation 3864043 (VCV003864043.1).

ClinVar aggregate classification (germline): Uncertain significance (1 of 4 stars; one submission).

gnomAD v4.1: 1 of 1,614,106 alleles (0.000062%); no homozygotes.

Submission:

Ambry Genetics
Classification: Uncertain significance. Last evaluated: 2024-12-20. Review status: criteria provided, single submitter. Criteria: Ambry Variant Classification Scheme 2023. Collection method: clinical testing. Allele origin: germline.
Comment: The p.E1606K variant (also known as c.4816G>A), located in coding exon 43 of the KIF1B gene, results from a G to A substitution at nucleotide position 4816. The glutamic acid at codon 1606 is replaced by lysine, an amino acid with similar properties. This amino acid position is conserved. In addition, the in silico prediction for this alteration is inconclusive. Based on the available evidence, the clinical significance of this variant remains unclear.